The following is an entry in ClinVar:

NM_022464.5(SIL1):c.1030-9G>A

Gene: SIL1 (SIL1 nucleotide exchange factor; minus strand). Cytogenetic location: 5q31.2.
Variant type: single nucleotide variant.
Coding change: c.1030-9G>A on transcript NM_022464.5 (MANE Select); 9 bases into the intron before coding-DNA position 1030, G replaced by A.
Molecular consequence: intron variant.
Genome position (GRCh38, 1-based): chr5:138,947,482, C>T on the plus strand (G>A on the coding strand, the complement: SIL1 is on the minus strand). VCF-style: chr5-138947482-C-T. GRCh37 (hg19) VCF-style: chr5-138283171-C-T.
Other names: p.?; c.1030-9G>A (NM_001037633.2, NM_001037633.1).
Identifiers: ClinVar variation 280106 (VCV000280106.40), dbSNP rs370290043, ClinGen allele CA3432382.

ClinVar aggregate classification (germline): Pathogenic/Likely pathogenic. Review status: criteria provided, multiple submitters, no conflicts (2 of 4 stars). 11 submissions from 11 submitters: Pathogenic (7); Likely pathogenic (3). 1 of the submissions does not count toward it. Last evaluated 2026-01-27.

Conditions:
SIL1-related disorder. Also called: SIL1-related condition.
Marinesco-Sjögren syndrome (MSS). Also called: Marinesco-Sjogren Syndrome; Marinesco-SjÃ¶gren syndrome. Identifiers: Orphanet 559, MedGen C0024814, MONDO:0009567, OMIM 248800.

Allele frequency attached by ClinVar (database versions not stated): ExAC 0.00004; gnomAD exomes 0.00004; gnomAD 0.00006; TOPMed 0.00010; ESP Exome Variant Server 0.00015.
gnomAD v4.1: 99 of 1,612,492 alleles (0.0061%); highest among the groups gnomAD compares: Non-Finnish European, 0.0072%; no homozygotes.

Submissions (11):

PreventionGenetics, part of Exact Sciences
Classification: Pathogenic for SIL1-related condition. Last evaluated: 2026-01-27. Review status: criteria provided, single submitter. Criteria: ACMG Guidelines, 2015. Collection method: clinical testing. Allele origin: germline.
Comment: The SIL1 c.1030-9G>A variant is predicted to interfere with splicing. This variant has been reported to introduce a novel splice acceptor site, resulting in a frameshift and premature protein termination (Anttonen et al. 2008. PubMed ID: 18285827). This variant in the apparently homozygous state was previously reported in affected individuals from several families with autosomal recessive Marinesco-Sjogren syndrome (Anttonen et al. 2008. PubMed ID: 18285827; Inaguma et al. 2014. PubMed ID: 24473200; Monies et al. 2019. PubMed ID: 31130284; Maddirevula et al. 2020. PubMed ID: 32552793). This variant is reported in 0.0082% of alleles in individuals of African descent in gnomAD. This variant is interpreted as pathogenic.

Labcorp Genetics (formerly Invitae), Labcorp
Classification: Pathogenic for Marinesco-Sjögren syndrome. Last evaluated: 2026-01-04. Review status: criteria provided, single submitter. Criteria: Invitae Variant Classification Sherloc (09022015). Collection method: clinical testing. Allele origin: germline.
Comment: This sequence change falls in intron 9 of the SIL1 gene. It does not directly change the encoded amino acid sequence of the SIL1 protein. RNA analysis indicates that this variant induces altered splicing and likely disrupts the C-terminus of the protein. This variant is present in population databases (rs370290043, gnomAD 0.009%). This variant has been observed in individual(s) with clinical features of Marinesco-Sjogren syndrome (PMID: 24473200, 31130284). ClinVar contains an entry for this variant (Variation ID: 280106). Studies have shown that this variant results in activation of a de novo splice site and introduces a new termination codon (PMID: 32552793). However the mRNA is not expected to undergo nonsense-mediated decay. This variant disrupts a region of the SIL1 protein in which other variant(s) (p.Leu373Cysfs*33) have been determined to be pathogenic (internal data). This suggests that this is a clinically significant region of the protein, and that variants that disrupt it are likely to be disease-causing. For these reasons, this variant has been classified as Pathogenic.

Mayo Clinic Laboratories, Mayo Clinic
Classification: Pathogenic. Last evaluated: 2024-12-27. Review status: criteria provided, single submitter. Criteria: ACMG Guidelines, 2015. Collection method: clinical testing. Allele origin: germline. Observed: 1 variant allele.
Comment: PP1_strong, PM2_supporting, PM3, PVS1_strong

GeneDx
Classification: Pathogenic. Last evaluated: 2024-11-05. Review status: criteria provided, single submitter. Criteria: GeneDx Variant Classification Process June 2021. Collection method: clinical testing. Allele origin: germline. Affected: yes.
Comment: Published functional studies demonstrate this variant creates a novel splice acceptor site (SAS), leading to the insertion of seven nucleotides into the RNA sequence, resulting in frameshift and premature truncation of translation (PMID: 18285827); Not observed at a significant frequency in large population cohorts (gnomAD); In silico analysis supports a deleterious effect on splicing; This variant is associated with the following publications: (PMID: 24473200, 24176978, 27431290, 18285827, 23829326, 23062754, 27878435, 28600779, 27894351, 31130284, 32552793, 37644014, 33149276)

Genomic Medicine Center of Excellence, King Faisal Specialist Hospital and Research Centre
Classification: Pathogenic for Marinesco-Sjögren syndrome. Last evaluated: 2024-03-17. Review status: criteria provided, single submitter. Criteria: ACMG Guidelines, 2015. Collection method: research. Allele origin: germline.

Blueprint Genetics
Classification: Likely pathogenic for SIL1-related disorders. Last evaluated: 2024-02-26. Review status: criteria provided, single submitter. Criteria: ACMG Guidelines, 2015. Collection method: clinical testing. Allele origin: germline. Affected: yes. Observed: 5 variant alleles.

Kariminejad - Najmabadi Pathology & Genetics Center
Classification: Likely pathogenic for Marinesco-Sjögren syndrome. Last evaluated: 2022-08-01. Review status: criteria provided, single submitter. Criteria: ACMG Guidelines, 2015. Collection method: clinical testing. Allele origin: germline. Inheritance: Autosomal recessive inheritance. Affected: yes.
Comment: PM2 PP5 STRONG

Revvity Omics, Revvity
Classification: Likely pathogenic for Marinesco-Sjögren syndrome. Last evaluated: 2021-06-15. Review status: criteria provided, single submitter. Criteria: ACMG Guidelines, 2015. Collection method: clinical testing. Allele origin: germline.

Laboratorio de Genetica e Diagnostico Molecular, Hospital Israelita Albert Einstein
Classification: Pathogenic. Last evaluated: 2020-12-07. Review status: criteria provided, single submitter. Criteria: ACMG Guidelines, 2015. Collection method: clinical testing. Allele origin: germline. Affected: yes.
Comment: ACMG classification criteria: PS3, PS4, PM2, PM3

Eurofins Ntd Llc (ga)
Classification: Pathogenic. Last evaluated: 2016-09-29. Review status: criteria provided, single submitter. Criteria: EGL Classification Definitions 2015. Collection method: clinical testing. Allele origin: germline. Observed: 1 variant allele, 1 homozygote.

Clinical Laboratory Sciences Program (CLSP), King Saud bin Abdulaziz University for Health Sciences (KSAU-HS)
Classification: Pathogenic for Marinesco-Sjögren syndrome. Last evaluated: 2023-04-01. Review status: no assertion criteria provided. Collection method: clinical testing. Allele origin: germline. Affected: yes. Not counted in ClinVar's aggregate classification.

Literature cited by the submitters: PubMed 24473200 (cited by Labcorp Genetics (formerly Invitae), Labcorp and Mayo Clinic Laboratories, Mayo Clinic); PubMed 31130284 (cited by Labcorp Genetics (formerly Invitae), Labcorp); PubMed 32552793 (cited by Labcorp Genetics (formerly Invitae), Labcorp and Mayo Clinic Laboratories, Mayo Clinic); PubMed 18285827 (cited by Mayo Clinic Laboratories, Mayo Clinic); PubMed 28600779 (cited by Mayo Clinic Laboratories, Mayo Clinic); PubMed 33149276 (cited by Mayo Clinic Laboratories, Mayo Clinic); PubMed 33528536 (cited by Mayo Clinic Laboratories, Mayo Clinic); PubMed 37644014 (cited by Mayo Clinic Laboratories, Mayo Clinic).